The following is an entry in ClinVar:

NM_002693.3(POLG):c.1515G>A (p.Lys505=)

Gene: POLG (DNA polymerase gamma, catalytic subunit; minus strand). Cytogenetic location: 15q26.1.
Variant type: single nucleotide variant.
Coding change: c.1515G>A on transcript NM_002693.3 (MANE Select); coding-DNA position 1515, G replaced by A.
Protein change: p.Lys505=; no amino-acid change (lysine 505 retained).
Molecular consequence: synonymous variant.
Genome position (GRCh38, 1-based): chr15:89,326,982, C>T on the plus strand (G>A on the coding strand, the complement: POLG is on the minus strand). VCF-style: chr15-89326982-C-T. GRCh37 (hg19) VCF-style: chr15-89870213-C-T.
Other names: p.K505K:AAG>AAA; c.1515G>A, p.Lys505= (NM_001126131.2).
Identifiers: ClinVar variation 206499 (VCV000206499.10), dbSNP rs796052880, ClinGen allele CA316644.

ClinVar aggregate classification (germline): Benign/Likely benign. Review status: criteria provided, multiple submitters, no conflicts (2 of 4 stars). 2 submissions from 2 submitters: Benign (1); Likely benign (1). Last evaluated 2024-07-26.

Conditions:
Progressive sclerosing poliodystrophy (MTDPS4A). Also called: ALPERS DIFFUSE DEGENERATION OF CEREBRAL GRAY MATTER WITH HEPATIC CIRRHOSIS; Alpers-Huttenlocher Syndrome; ALPERS PROGRESSIVE INFANTILE POLIODYSTROPHY; NEURONAL DEGENERATION OF CHILDHOOD WITH LIVER DISEASE, PROGRESSIVE; Mitochondrial DNA Depletion Syndrome 4A; Alpers-Huttenlocher Syndrome (AHS). Identifiers: Orphanet 726, MedGen C0205710, MONDO:0008758, OMIM 203700.

Submissions (2):

Labcorp Genetics (formerly Invitae), Labcorp
Classification: Likely benign for Progressive sclerosing poliodystrophy. Last evaluated: 2024-07-26. Review status: criteria provided, single submitter. Criteria: Invitae Variant Classification Sherloc (09022015). Collection method: clinical testing. Allele origin: germline.

GeneDx
Classification: Benign. Last evaluated: 2014-10-03. Review status: criteria provided, single submitter. Criteria: GeneDx Variant Classification (06012015). Collection method: clinical testing. Allele origin: germline. Affected: yes.
Comment: This variant is considered likely benign or benign based on one or more of the following criteria: it is a conservative change, it occurs at a poorly conserved position in the protein, it is predicted to be benign by multiple in silico algorithms, and/or has population frequency not consistent with disease.